The following is an entry in ClinVar:

ClinVar aggregate classification (germline): Likely benign. Review status: criteria provided, multiple submitters, no conflicts (2 of 4 stars). 3 submissions from 3 submitters: Likely benign (2). 1 of the submissions does not count toward it. Last evaluated 2026-01-24.

Conditions:
TCF20-related disorder. Also called: TCF20-related condition.
Inborn genetic diseases. Identifiers: MedGen C0950123, MeSH D030342.

Allele frequency attached by ClinVar (database versions not stated): TOPMed 0.00108; 1000 Genomes Project 0.00140; 1000 Genomes Project 30x 0.00141; gnomAD exomes 0.00007; ExAC 0.00033; ESP Exome Variant Server 0.00077; gnomAD 0.00101.
gnomAD v4.1: 262 of 1,614,152 alleles (0.016%); highest among the groups gnomAD compares: African/African-American, 0.3%; no homozygotes.

Submissions (3):

Labcorp Genetics (formerly Invitae), Labcorp
Classification: Likely benign. Last evaluated: 2026-01-24. Review status: criteria provided, single submitter. Criteria: Invitae Variant Classification Sherloc (09022015). Collection method: clinical testing. Allele origin: germline.

Ambry Genetics
Classification: Likely benign for Inborn genetic diseases. Last evaluated: 2024-11-20. Review status: criteria provided, single submitter. Criteria: Ambry Variant Classification Scheme 2023. Collection method: clinical testing. Allele origin: germline.

PreventionGenetics, part of Exact Sciences
Classification: Likely benign for TCF20-related condition. Last evaluated: 2019-06-18. Review status: no assertion criteria provided. Collection method: clinical testing. Allele origin: germline. Not counted in ClinVar's aggregate classification.
Comment: This variant is classified as likely benign based on ACMG/AMP sequence variant interpretation guidelines (Richards et al. 2015 PMID: 25741868, with internal and published modifications).

NM_001378418.1(TCF20):c.1216G>A (p.Gly406Ser)

Gene: TCF20 (transcription factor 20; minus strand). Cytogenetic location: 22q13.2.
Variant type: single nucleotide variant.
Coding change: c.1216G>A on transcript NM_001378418.1 (MANE Select); coding-DNA position 1216, G replaced by A.
Protein change: p.Gly406Ser; replaces glycine 406 with serine.
Molecular consequence: missense variant.
Genome position (GRCh38, 1-based): chr22:42,214,090, C>T on the plus strand (G>A on the coding strand, the complement: TCF20 is on the minus strand). VCF-style: chr22-42214090-C-T. GRCh37 (hg19) VCF-style: chr22-42610096-C-T.
Other names: c.1216G>A, p.Gly406Ser (NM_005650.4, NM_181492.3); c.1216G>A (NM_005650.1, NM_005650.3); short protein forms G406S.
Identifiers: ClinVar variation 2043635 (VCV002043635.7), dbSNP rs143327169, ClinGen allele CA10267221.
Genomic context (GRCh38, chr22:42,214,090, plus strand): 5'-GCATCATTGATGGGGTTGGACTGAGTTGAGGCATTAACTGTAAAATTCTGTTTCTGGAAC[C>T]CATAGGCACACTGCCTTGCCCACACTGGAGATTCTCCCCAGTCTGCATGAGAGGAGATGG-3'
Protein context (NP_001365347.1, residues 396-416): LQCGQGSVPM[Gly406Ser]SRNRILQLMP